The following is an entry in ClinVar:

ClinVar aggregate classification (germline): Uncertain significance (1 of 4 stars; one submission).

Submission:

Labcorp Genetics (formerly Invitae), Labcorp
Classification: Uncertain significance. Last evaluated: 2023-06-24. Review status: criteria provided, single submitter. Criteria: Invitae Variant Classification Sherloc (09022015). Collection method: clinical testing. Allele origin: germline.
Comment: This variant has not been reported in the literature in individuals affected with TCF20-related conditions. An algorithm developed to predict the effect of missense changes on protein structure and function (PolyPhen-2) suggests that this variant is likely to be disruptive. In summary, the available evidence is currently insufficient to determine the role of this variant in disease. Therefore, it has been classified as a Variant of Uncertain Significance. This variant is not present in population databases (gnomAD no frequency). This sequence change replaces glutamine, which is neutral and polar, with histidine, which is basic and polar, at codon 176 of the TCF20 protein (p.Gln176His).

NM_001378418.1(TCF20):c.528G>C (p.Gln176His)

Gene: TCF20 (transcription factor 20; minus strand). Cytogenetic location: 22q13.2.
Variant type: single nucleotide variant.
Coding change: c.528G>C on transcript NM_001378418.1 (MANE Select); coding-DNA position 528, G replaced by C.
Protein change: p.Gln176His; replaces glutamine 176 with histidine.
Molecular consequence: missense variant.
Genome position (GRCh38, 1-based): chr22:42,214,778, C>G on the plus strand (G>C on the coding strand, the complement: TCF20 is on the minus strand). VCF-style: chr22-42214778-C-G. GRCh37 (hg19) VCF-style: chr22-42610784-C-G.
Other names: c.528G>C, p.Gln176His (NM_005650.4, NM_181492.3); short protein forms Q176H.
Identifiers: ClinVar variation 2727789 (VCV002727789.3), dbSNP rs2518244698, ClinGen allele CA411792806.